The following continues an entry in ClinVar:

NM_000404.4(GLB1):c.602G>A (p.Arg201His)

Gene: GLB1. ClinVar aggregate classification (germline): Pathogenic/Likely pathogenic. Pathogenic (16); Likely pathogenic (1).

Submissions 14 to 18 of 18:

Laboratory for Molecular Medicine, Mass General Brigham Personalized Medicine
Classification: Pathogenic for GM1 gangliosidosis. Last evaluated: 2018-09-19. Review status: criteria provided, single submitter. Criteria: LMM Criteria. Collection method: clinical testing. Allele origin: germline. Inheritance: Autosomal recessive inheritance. Observed: 1 variant allele.
Comment: The p.Arg201His variant in GLB1 has been reported in at least 10 individuals wit h clinical features of GM1 gangliosidosis type II/III or Mucopolysaccharidosis t ype IV (Morquio syndrome), all of whom were homozygous or compound heterozygous, and segregated with the disease in 1 affected family member (Kaye 1997, Morrone 2000, Santamaria 2006, Santamaria 2007, Hofer 2009, Pierson 2012). This variant has been reported in ClinVar (Variation ID# 198077) and was absent from large p opulation studies. In vitro functional studies provide some evidence that the p. Arg201His variant may impact protein function (Kaye 1997, Iwasaki 2006, Santamar ia 2007). In summary, this variant meets criteria to be classified as pathogenic for GLB1-related disorders in an autosomal recessive manner based upon case obs ervation, segregation studies, absence from controls and functional evidence. AC MG/AMP Criteria applied: PM3_VeryStrong, PM2, PS3_Moderate, PP1

Illumina Laboratory Services, Illumina
Classification: Pathogenic for GM1 gangliosidosis. Last evaluated: 2017-04-27. Review status: criteria provided, single submitter. Criteria: ICSL Variant Classification Criteria 09 May 2019. Collection method: clinical testing. Allele origin: germline.
Comment: The GLB1 c.602G>A (p.Arg201His) missense variant has been identified in a compound heterozygous state with an additional missense variant in eight individuals with GM1 gangliosidosis (Kaye et al. 1997; Morrone et al. 2000; Paschke et al. 2001; Caciotti et al. 2005; Santamaria et al. 2006; Hofer et al. 2009; Pierson et al. 2012). The p.Arg201His variant has also been reported in a compound heterozygous state in combination with another missense variant in two individuals with an intermediate phenotype between mucopolysaccharidosis (MPS) type IVB and the adult form of GM1 gangliosidosis (Hofer et al. 2009; Moore et al. 2013) and in a homozygous state in an individual with MPS type IVB (Santamaria et al. 2006). The Arg201 residue is highly conserved across vertebrate species (Pierson et al. 2012), and was shown to segregate with disease in an autosomal recessive inheritance pattern where family data were available (Morrone et al. 2000; Paschke et al. 2001; Pierson et al. 2012). The p.Arg201His variant was absent from 140 controls (Kaye et al. 1997; Paschke et al. 2001) and is reported at a frequency of 0.00011 in the European (non-Finnish) population of the Exome Aggregation Consortium. Functional studies in individual leukocytes and fibroblasts carrying the p.Arg201His variant demonstrated a significant reduction in enzyme activity to between 2% and 2.5% of wildtype (Kaye et al. 1997; Caciotti et al. 2005). Based on the collective evidence, the p.Arg201His variant is classified as pathogenic for GLB1-related disorders. This variant was observed by ICSL as part of a predisposition screen in an ostensibly healthy population.

Eurofins Ntd Llc (ga)
Classification: Pathogenic. Last evaluated: 2014-10-27. Review status: criteria provided, single submitter. Criteria: EGL Classification Definitions 2015. Collection method: clinical testing. Allele origin: germline. Observed: 8 variant alleles, 8 heterozygotes.

Juno Genomics, Hangzhou Juno Genomics, Inc
Classification: Pathogenic for GM1 gangliosidosis type 2. Review status: criteria provided, single submitter. Criteria: ACMG Guidelines, 2015. Collection method: clinical testing. Allele origin: germline. Affected: yes.
Comment: Absent from controls (or at extremely low frequency if recessive) in Genome Aggregation Database, Exome Sequencing Project, 1000 Genomes Project, or Exome Aggregation Consortium.;Multiple lines of computational evidence support a deleterious effect on the gene or gene product (conservation, evolutionary, splicing impact, etc).;For recessive disorders, detected in trans with a pathogenic variant.;Patient's phenotype or family history is highly specific for a disease with a single genetic etiology.

Counsyl
Classification: Likely pathogenic for Mucopolysaccharidosis, MPS-IV-B. Last evaluated: 2017-02-23. Review status: no assertion criteria provided. Collection method: clinical testing. Allele origin: unknown. Not counted in ClinVar's aggregate classification.

Literature cited by the submitters: PubMed 9203065 (cited by 5 submitters); PubMed 11511921 (cited by Labcorp Genetics (formerly Invitae), Labcorp and Illumina Laboratory Services, Illumina); PubMed 17309651 (cited by Labcorp Genetics (formerly Invitae), Labcorp and Laboratory for Molecular Medicine, Mass General Brigham Personalized Medicine); PubMed 20175788 (cited by Labcorp Genetics (formerly Invitae), Labcorp); PubMed 23430499 (cited by Labcorp Genetics (formerly Invitae), Labcorp and Illumina Laboratory Services, Illumina); PubMed 11504597 (cited by Labcorp Genetics (formerly Invitae), Labcorp); PubMed 16617000 (cited by 5 submitters); PubMed 17664528 (cited by 3 submitters); PubMed 33737400 (cited by Natera, Inc.); PubMed 16941474 (cited by 5 submitters); PubMed 32779865 (cited by Natera, Inc.); PubMed 10737981 (cited by Laboratory for Molecular Medicine, Mass General Brigham Personalized Medicine and Illumina Laboratory Services, Illumina); PubMed 19472408 (cited by Laboratory for Molecular Medicine, Mass General Brigham Personalized Medicine and Illumina Laboratory Services, Illumina); PubMed 22675082 (cited by Laboratory for Molecular Medicine, Mass General Brigham Personalized Medicine and Illumina Laboratory Services, Illumina); PubMed 16314480 (cited by Illumina Laboratory Services, Illumina); PubMed 21520340 (cited by Eurofins Ntd Llc (ga)); PubMed 16538002 (cited by Counsyl).